The following is an entry in ClinVar:

ClinVar aggregate classification (germline): Uncertain significance. Review status: criteria provided, multiple submitters, no conflicts (2 of 4 stars). 2 submissions from 2 submitters: Uncertain significance (2). Last evaluated 2024-10-22.

Conditions:
Inborn genetic diseases. Identifiers: MedGen C0950123, MeSH D030342.

Allele frequency attached by ClinVar (database versions not stated): ExAC 0.00001; gnomAD exomes 0.00001.

Submissions (2):

Labcorp Genetics (formerly Invitae), Labcorp
Classification: Uncertain significance. Last evaluated: 2024-10-22. Review status: criteria provided, single submitter. Criteria: Invitae Variant Classification Sherloc (09022015). Collection method: clinical testing. Allele origin: germline.
Comment: This sequence change replaces tyrosine, which is neutral and polar, with serine, which is neutral and polar, at codon 344 of the C8B protein (p.Tyr344Ser). This variant is present in population databases (rs773539697, gnomAD 0.007%). This variant has not been reported in the literature in individuals affected with C8B-related conditions. ClinVar contains an entry for this variant (Variation ID: 2170456). An algorithm developed to predict the effect of missense changes on protein structure and function (PolyPhen-2) suggests that this variant is likely to be disruptive. In summary, the available evidence is currently insufficient to determine the role of this variant in disease. Therefore, it has been classified as a Variant of Uncertain Significance.

Ambry Genetics
Classification: Uncertain significance for Inborn genetic diseases. Last evaluated: 2021-12-14. Review status: criteria provided, single submitter. Criteria: Ambry Variant Classification Scheme 2023. Collection method: clinical testing. Allele origin: germline.

NM_000066.4(C8B):c.1031A>C (p.Tyr344Ser)

Gene: C8B (complement C8 beta chain; minus strand). Cytogenetic location: 1p32.2.
Variant type: single nucleotide variant.
Coding change: c.1031A>C on transcript NM_000066.4 (MANE Select); coding-DNA position 1031, A replaced by C.
Protein change: p.Tyr344Ser; replaces tyrosine 344 with serine.
Molecular consequence: missense variant.
Genome position (GRCh38, 1-based): chr1:56,945,895, T>G on the plus strand (A>C on the coding strand, the complement: C8B is on the minus strand). VCF-style: chr1-56945895-T-G. GRCh37 (hg19) VCF-style: chr1-57411568-T-G.
Other names: c.875A>C, p.Tyr292Ser (NM_001278543.2); c.845A>C, p.Tyr282Ser (NM_001278544.2); short protein forms Y282S, Y292S, Y344S.
Identifiers: ClinVar variation 2170456 (VCV002170456.3), dbSNP rs773539697, ClinGen allele CA875778.